The following is an entry in ClinVar:

ClinVar aggregate classification (germline): Pathogenic. Review status: reviewed by expert panel (3 of 4 stars). 13 submissions from 12 submitters: Pathogenic (1). 12 of the submissions do not count toward it. Last evaluated 2017-03-17.

Conditions:
CFTR-related disorder (CFTR-RD). Also called: CFTR-related condition; CFTR-related disorders. Identifiers: MedGen C5924204, MONDO:7770004.
Cystic fibrosis diagnostic test.
Congenital bilateral aplasia of vas deferens from CFTR mutation (CBAVD). Identifiers: Orphanet 48, MedGen C0403814, MONDO:0010178, OMIM 277180. Disease mechanism: loss of function.
Cystic fibrosis (CF). Also called: MUCOVISCIDOSIS. Identifiers: Orphanet 586, MedGen C0010674, MONDO:0009061, OMIM 219700. Disease mechanism: loss of function.
Hereditary pancreatitis (PCTT). Also called: PRSS1-Related Hereditary Pancreatitis; Hereditary chronic pancreatitis. Identifiers: Orphanet 676, MedGen C0238339, MONDO:0008185, OMIM 167800.
Bronchiectasis with or without elevated sweat chloride 1 (BESC1). Also called: Cystic Fibrosis-Like Syndrome. Identifiers: Orphanet 60033, MedGen C2749757, MONDO:0008887, OMIM 211400.

Allele frequency attached by ClinVar (database versions not stated): gnomAD exomes below 0.00001 and 0.00001; ExAC 0.00001; gnomAD 0.00001; TOPMed 0.00002; ESP Exome Variant Server 0.00015.
gnomAD v4.1: 6 of 1,527,734 alleles (0.00039%); highest among the groups gnomAD compares: Admixed American, 0.0022%; no homozygotes.

Submissions (13):

CFTR2
Classification: Pathogenic for Cystic fibrosis. Last evaluated: 2017-03-17. Review status: reviewed by expert panel. Criteria: Sosnay PR et al. (Nat Genet 2013). Collection method: research. Allele origin: germline. Affected: yes. Study: CFTR2.

Labcorp Genetics (formerly Invitae), Labcorp
Classification: Pathogenic for Cystic fibrosis. Last evaluated: 2025-11-18. Review status: criteria provided, single submitter. Criteria: Invitae Variant Classification Sherloc (09022015). Collection method: clinical testing. Allele origin: germline. Not counted in ClinVar's aggregate classification.
Comment: This sequence change creates a premature translational stop signal (p.Arg785*) in the CFTR gene. It is expected to result in an absent or disrupted protein product. Loss-of-function variants in CFTR are known to be pathogenic (PMID: 1695717, 7691345, 9725922). This variant is present in population databases (rs374946172, gnomAD 0.007%). This premature translational stop signal has been observed in individual(s) with cystic fibrosis (PMID: 16189704, 17662673, 18467194, 26436105, 29504914). In at least one individual the data is consistent with being in trans (on the opposite chromosome) from a pathogenic variant. This variant is also known as 2485C>T. ClinVar contains an entry for this variant (Variation ID: 53480). For these reasons, this variant has been classified as Pathogenic.

Otogenetics
Classification: Pathogenic for Cystic fibrosis; Congenital bilateral aplasia of vas deferens from CFTR mutation. Last evaluated: 2025-10-29. Review status: criteria provided, single submitter. Criteria: ACMG Guidelines, 2015. Collection method: clinical testing. Allele origin: germline. Not counted in ClinVar's aggregate classification.
Comment: PVS1: Stop gain variant introduces premature stop codon in gene with loss of function as mechanism of disease, predicted to undergo NMD; PM2: Maximum gnomAD MAF of 0.0065% in African (AFR) subpopulation (<0.296% threshold); PM3_Strong: Variant reported in homozygous state one affected individual and in trans with 3 pathogenic variants in 4 individuals affected with cystic fibrosis (PMID: 17662673, 19715466, 29504914, 32539862); PP3: In-silico models predict deleterious effect (MutationTaster = 1, BayesDel = 0.66)

NHS Central & South Genomic Laboratory Hub
Classification: Pathogenic for Cystic fibrosis diagnostic test. Last evaluated: 2025-10-21. Review status: criteria provided, single submitter. Criteria: ACMG Guidelines, 2015. Collection method: clinical testing. Allele origin: germline. Affected: yes. Not counted in ClinVar's aggregate classification.

Ambry Genetics
Classification: Pathogenic for Cystic fibrosis. Last evaluated: 2025-02-28. Review status: criteria provided, single submitter. Criteria: Ambry Variant Classification Scheme 2023. Collection method: clinical testing. Allele origin: germline. Not counted in ClinVar's aggregate classification.
Comment: The p.R785* pathogenic mutation (also known as c.2353C>T), located in coding exon 14 of the CFTR gene, results from a C to T substitution at nucleotide position 2353. This changes the amino acid from an arginine to a stop codon within coding exon 14. This variant has been identified in the homozygous state and/or in conjunction with other CFTR variant(s) in individual(s) with features consistent with cystic fibrosis (McGinniss MJ et al. Hum. Genet., 2005 Dec;118:331-8; Alibakhshi R et al. J. Cyst. Fibros., 2008 Mar;7:102-9; Frenescu L et al. J. Cyst. Fibros., 2008 Sep;7:423-8; Fredj SH et al. Genet Test Mol Biomarkers, 2009 Oct;13:577-81). In addition to the clinical data presented in the literature, this alteration is expected to result in loss of function by premature protein truncation or nonsense-mediated mRNA decay. As such, this alteration is interpreted as a disease-causing mutation.

Natera, Inc.
Classification: Pathogenic for CFTR-related disorders. Last evaluated: 2024-07-24. Review status: criteria provided, single submitter. Criteria: Natera Variant Classification Schema (03/2026). Collection method: clinical testing. Allele origin: germline. Not counted in ClinVar's aggregate classification.
Comment: The c.2353C>T variant in CFTR is a nonsense variant predicted to introduce a stop codon at amino acid 785. This variant is expected to result in nonsense mediated decay, truncation, or a dysfunctional protein product. This variant is rare in the general population with a frequency below the threshold expected for the associated phenotype(s). This variant has been observed in one or more individuals affected with the associated recessive disease, as either homozygous or compound heterozygous with a second variant (PMID: 32539862). Given the available evidence, this variant is classified as Pathogenic.

Fulgent Genetics
Classification: Pathogenic for Hereditary pancreatitis; Bronchiectasis with or without elevated sweat chloride 1; Cystic fibrosis; Congenital bilateral aplasia of vas deferens from CFTR mutation. Last evaluated: 2024-04-07. Review status: criteria provided, single submitter. Criteria: ACMG Guidelines, 2015. Collection method: clinical testing. Allele origin: germline. Not counted in ClinVar's aggregate classification.

Baylor Genetics
Classification: Pathogenic for Bronchiectasis with or without elevated sweat chloride 1. Last evaluated: 2024-01-30. Review status: criteria provided, single submitter. Criteria: ACMG Guidelines, 2015. Collection method: clinical testing. Allele origin: unknown. Not counted in ClinVar's aggregate classification.

Blueprint Genetics
Classification: Pathogenic for CFTR-related disorders. Last evaluated: 2023-01-13. Review status: criteria provided, single submitter. Criteria: ACMG Guidelines, 2015. Collection method: clinical testing. Allele origin: germline. Affected: yes. Observed: 3 variant alleles. Not counted in ClinVar's aggregate classification.

CFTR-France
Classification: Pathogenic for cystic fibrosis. Last evaluated: 2018-01-29. Review status: criteria provided, single submitter. Criteria: Claustres M et al. (Hum Mutat 2017). Collection method: curation. Allele origin: germline. Affected: yes. Not counted in ClinVar's aggregate classification.

Women's Health and Genetics/Laboratory Corporation of America, LabCorp
Classification: Pathogenic for Cystic fibrosis. Last evaluated: 2016-05-11. Review status: criteria provided, single submitter. Criteria: LabCorp Variant Classification Summary - May 2015. Collection method: clinical testing. Allele origin: germline. Not counted in ClinVar's aggregate classification.
Comment: Variant summary: The CFTR c.2353C>T (p.Arg785X) variant results in a premature termination codon, predicted to cause a truncated or absent CFTR protein due to nonsense mediated decay, which are commonly known mechanisms for disease. Truncations downstream of this position have been classified as pathogenic by our laboratory (e.g. p.Glu831X, p.Arg851X, p.Trp1089X). This variant was found in 1/114550 control chromosomes at a frequency of 0.0000087, which does not exceed the estimated maximal expected allele frequency of a pathogenic CFTR variant (0.0129603). The variant was reported in numerous CF patients in the literature and multiple clinical diagnostic laboratories/reputable databases classified this variant as pathogenic. Taken together, this variant is classified as pathogenic.

Baylor Genetics
Classification: Pathogenic for Congenital bilateral aplasia of vas deferens from CFTR mutation; Cystic fibrosis. Review status: criteria provided, single submitter. Criteria: ACMG Guidelines, 2015. Collection method: clinical testing. Allele origin: germline. Not counted in ClinVar's aggregate classification.

Counsyl
Classification: Likely pathogenic for Cystic fibrosis. Last evaluated: 2015-03-15. Review status: no assertion criteria provided. Collection method: clinical testing. Allele origin: unknown. Not counted in ClinVar's aggregate classification.

Literature cited by the submitters: PubMed 1695717 (cited by Labcorp Genetics (formerly Invitae), Labcorp); PubMed 7691345 (cited by Labcorp Genetics (formerly Invitae), Labcorp); PubMed 9725922 (cited by Labcorp Genetics (formerly Invitae), Labcorp); PubMed 16189704 (cited by 3 submitters); PubMed 17662673 (cited by 4 submitters); PubMed 18467194 (cited by 3 submitters); PubMed 26436105 (cited by Labcorp Genetics (formerly Invitae), Labcorp); PubMed 29504914 (cited by Labcorp Genetics (formerly Invitae), Labcorp and Otogenetics); PubMed 19715466 (cited by Otogenetics and Ambry Genetics); PubMed 32539862 (cited by Otogenetics and Natera, Inc.); PubMed 20059485 (cited by Counsyl); PubMed 25087612 (cited by Counsyl).

NM_000492.4(CFTR):c.2353C>T (p.Arg785Ter)

Gene: CFTR (CF transmembrane conductance regulator; plus strand). Cytogenetic location: 7q31.2.
Variant type: single nucleotide variant.
Coding change: c.2353C>T on transcript NM_000492.4 (MANE Select); coding-DNA position 2353, C replaced by T.
Protein change: p.Arg785Ter; replaces arginine 785 with a stop codon.
Molecular consequence: nonsense.
Genome position (GRCh38, 1-based): chr7:117,592,520, C>T. VCF-style: chr7-117592520-C-T. GRCh37 (hg19) VCF-style: chr7-117232574-C-T.
Other names: short protein forms R785*.
Identifiers: ClinVar variation 53480 (VCV000053480.25), dbSNP rs374946172, ClinGen allele CA326800.